The following is an entry in ClinVar:

ClinVar aggregate classification (germline): Conflicting classifications of pathogenicity. Review status: criteria provided, conflicting classifications (1 of 4 stars). 7 submissions from 6 submitters: Uncertain significance (6); Likely benign (1). Last evaluated 2026-03-03.

Conditions:
DICER1-related disorder. Also called: DICER1-related condition.
Global developmental delay - lung cysts - overgrowth - Wilms tumor syndrome. Also called: GLOBAL DEVELOPMENTAL DELAY, LUNG CYSTS, OVERGROWTH, AND WILMS TUMOR; GLOW Syndrome. Identifiers: Orphanet 404476, MedGen C4748924, MONDO:0018445, OMIM 618272.
DICER1-related tumor predisposition. Also called: DICER1 syndrome; DICER1-related pleuropulmonary blastoma cancer predisposition syndrome. Identifiers: Orphanet 284343, MedGen C3839822, MONDO:0100216.
Hereditary cancer-predisposing syndrome. Also called: Neoplastic Syndromes, Hereditary; Tumor predisposition; Hereditary Cancer Syndrome; Hereditary neoplastic syndrome. Identifiers: Orphanet 140162, MedGen C0027672, MeSH D009386, MONDO:0015356.
Euthyroid goiter (MNG1). Also called: MULTINODULAR GOITER, ADOLESCENT; Goiter, multinodular 1, with or without Sertoli-Leydig cell tumors; GOITER, NONTOXIC, WITH INTRATHYROIDAL CALCIFICATION; SIMPLE GOITER. Identifiers: Orphanet 276399, MedGen C0302859, MONDO:0007681, OMIM 138800, HP:0009798.

Allele frequency attached by ClinVar (database versions not stated): gnomAD exomes below 0.00001; gnomAD 0.00001; ExAC 0.00002; TOPMed 0.00004; 1000 Genomes Project 30x 0.00016; 1000 Genomes Project 0.00020.
gnomAD v4.1: 7 of 1,614,158 alleles (0.00043%); highest among the groups gnomAD compares: Admixed American, 0.0083%; no homozygotes.

Submissions (7):

PreventionGenetics, part of Exact Sciences
Classification: Uncertain significance for DICER1-related condition. Last evaluated: 2026-03-03. Review status: criteria provided, single submitter. Criteria: ACMG Guidelines, 2015. Collection method: clinical testing. Allele origin: germline.
Comment: The DICER1 c.3380T>G variant is predicted to result in the amino acid substitution p.Ile1127Ser. To our knowledge, this variant has not been reported in the literature. This variant is reported in 0.0029% of alleles in individuals of Latino descent in gnomAD. This variant has conflicting interpretations in ClinVar ranging from uncertain to likely benign (Variation ID: 412046). At this time, the clinical significance of this variant is uncertain due to the absence of conclusive functional and genetic evidence.

Labcorp Genetics (formerly Invitae), Labcorp
Classification: Likely benign for DICER1-related tumor predisposition. Last evaluated: 2025-12-15. Review status: criteria provided, single submitter. Criteria: Invitae Variant Classification Sherloc (09022015). Collection method: clinical testing. Allele origin: germline.

Ambry Genetics
Classification: Uncertain significance for Hereditary cancer-predisposing syndrome. Last evaluated: 2025-11-05. Review status: criteria provided, single submitter. Criteria: Ambry Variant Classification Scheme 2023. Collection method: clinical testing. Allele origin: germline.

GeneDx
Classification: Uncertain significance. Last evaluated: 2025-04-29. Review status: criteria provided, single submitter. Criteria: GeneDx Variant Classification Process June 2021. Collection method: clinical testing. Allele origin: germline. Affected: yes.
Comment: Not observed at significant frequency in large population cohorts (gnomAD); In silico analysis indicates that this missense variant does not alter protein structure/function; Has not been previously published as pathogenic or benign to our knowledge

Quest Diagnostics Nichols Institute San Juan Capistrano
Classification: Uncertain significance. Last evaluated: 2025-03-12. Review status: criteria provided, single submitter. Criteria: Quest Diagnostics criteria. Collection method: clinical testing. Allele origin: unknown.
Comment: The DICER1 c.3380T>G (p.Ile1127Ser) variant has not been reported in individuals with DICER1-related conditions in the published literature. The frequency of this variant in the general population (Genome Aggregation Database) is uninformative in the assessment of its pathogenicity. Analysis of this variant using bioinformatics tools for the prediction of the effect of amino acid changes on protein structure and function yielded predictions that this variant is benign. Based on the available information, we are unable to determine the clinical significance of this variant.

Baylor Genetics
Classification: Uncertain significance for Global developmental delay - lung cysts - overgrowth - Wilms tumor syndrome. Last evaluated: 2024-03-17. Review status: criteria provided, single submitter. Criteria: ACMG Guidelines, 2015. Collection method: clinical testing. Allele origin: unknown.

Baylor Genetics
Classification: Uncertain significance for Euthyroid goiter. Last evaluated: 2020-09-10. Review status: criteria provided, single submitter. Criteria: ACMG Guidelines, 2015. Collection method: clinical testing. Allele origin: unknown. Affected: yes. Study: CSER-TexasKidsCanSeq.
Comment: This variant was determined to be of uncertain significance according to ACMG Guidelines, 2015 [PMID:25741868].

NM_177438.3(DICER1):c.3380T>G (p.Ile1127Ser)

Gene: DICER1 (dicer 1, ribonuclease III; minus strand). Cytogenetic location: 14q32.13.
Variant type: single nucleotide variant.
Coding change: c.3380T>G on transcript NM_177438.3 (MANE Select); coding-DNA position 3380, T replaced by G.
Protein change: p.Ile1127Ser; replaces isoleucine 1127 with serine.
Molecular consequence: missense variant.
Genome position (GRCh38, 1-based): chr14:95,104,016, A>C on the plus strand (T>G on the coding strand, the complement: DICER1 is on the minus strand). VCF-style: chr14-95104016-A-C. GRCh37 (hg19) VCF-style: chr14-95570353-A-C.
Other names: c.3380T>G, p.Ile1127Ser (NM_001195573.1, NM_001271282.3, NM_001291628.2 and 1 more transcripts); short protein forms I1127S.
Identifiers: ClinVar variation 412046 (VCV000412046.22), dbSNP rs567895583, ClinGen allele CA7331047.